The following is an entry in ClinVar:

ClinVar aggregate classification (germline): Conflicting classifications of pathogenicity. Review status: criteria provided, conflicting classifications (1 of 4 stars). 4 submissions from 4 submitters: Uncertain significance (3); Likely benign (1). Last evaluated 2025-10-20.

Conditions:
Tuberous sclerosis 2 (TSC2). Identifiers: Orphanet 805, MedGen C1860707, MONDO:0013199, OMIM 613254.
Tuberous sclerosis syndrome (TSC). Also called: Tuberous Sclerosis Complex; Tuberous sclerosis. Identifiers: Orphanet 805, MedGen C0041341, MONDO:0001734.
Hereditary cancer-predisposing syndrome. Also called: Neoplastic Syndromes, Hereditary; Hereditary neoplastic syndrome; Tumor predisposition; Hereditary Cancer Syndrome. Identifiers: Orphanet 140162, MedGen C0027672, MeSH D009386, MONDO:0015356.

Allele frequency attached by ClinVar (database versions not stated): TOPMed below 0.00001; ExAC 0.00001; gnomAD 0.00001; gnomAD exomes 0.00001.

Submissions (4):

Color Diagnostics, LLC DBA Color Health
Classification: Uncertain significance for Tuberous sclerosis syndrome. Last evaluated: 2025-10-20. Review status: criteria provided, single submitter. Criteria: ACMG Guidelines, 2015. Collection method: clinical testing. Allele origin: germline.
Comment: This missense variant replaces methionine with valine at codon 1691 of the TSC2 protein. Computational prediction is inconclusive regarding the impact of this variant on protein structure and function. To our knowledge, functional studies have not been reported for this variant. This variant has not been reported in individuals affected with TSC2-related disorders in the literature. This variant has been identified in 12/1612320 chromosomes in the general population by the Genome Aggregation Database (gnomAD). The available evidence is insufficient to determine the role of this variant in disease conclusively. Therefore, this variant is classified as a Variant of Uncertain Significance.

Labcorp Genetics (formerly Invitae), Labcorp
Classification: Likely benign for Tuberous sclerosis 2. Last evaluated: 2025-07-13. Review status: criteria provided, single submitter. Criteria: Invitae Variant Classification Sherloc (09022015). Collection method: clinical testing. Allele origin: germline.

Ambry Genetics
Classification: Uncertain significance for Hereditary cancer-predisposing syndrome. Last evaluated: 2025-05-09. Review status: criteria provided, single submitter. Criteria: Ambry Variant Classification Scheme 2023. Collection method: clinical testing. Allele origin: germline.
Comment: The p.M1691V variant (also known as c.5071A>G), located in coding exon 39 of the TSC2 gene, results from an A to G substitution at nucleotide position 5071. The methionine at codon 1691 is replaced by valine, an amino acid with highly similar properties. This amino acid position is conserved. In addition, the in silico prediction for this alteration is inconclusive. Since supporting evidence is limited at this time, the clinical significance of this alteration remains unclear.

Quest Diagnostics Nichols Institute San Juan Capistrano
Classification: Uncertain significance. Last evaluated: 2024-03-22. Review status: criteria provided, single submitter. Criteria: Quest Diagnostics criteria. Collection method: clinical testing. Allele origin: unknown.

NM_000548.5(TSC2):c.5071A>G (p.Met1691Val)

Gene: TSC2 (TSC complex subunit 2; plus strand). Cytogenetic location: 16p13.3.
Variant type: single nucleotide variant.
Coding change: c.5071A>G on transcript NM_000548.5 (MANE Select); coding-DNA position 5071, A replaced by G.
Protein change: p.Met1691Val; replaces methionine 1691 with valine.
Molecular consequence: missense variant.
Genome position (GRCh38, 1-based): chr16:2,088,050, A>G. VCF-style: chr16-2088050-A-G. GRCh37 (hg19) VCF-style: chr16-2138051-A-G.
Other names: c.4870A>G, p.Met1624Val (NM_001077183.3); c.5002A>G, p.Met1668Val (NM_001114382.3); c.4762A>G, p.Met1588Val (NM_001318827.2); c.4726A>G, p.Met1576Val (NM_001318829.2); c.4942A>G, p.Met1648Val (NM_001370405.1, NM_021055.3); c.4339A>G, p.Met1447Val (NM_001318831.2); c.4903A>G, p.Met1635Val (NM_001318832.2); c.4873A>G, p.Met1625Val (NM_001363528.2); and 1 more; short protein forms M1576V, M1588V, M1625V, M1635V, M1447V, M1647V, M1668V, M1624V.
Identifiers: ClinVar variation 837891 (VCV000837891.14), dbSNP rs767809848, ClinGen allele CA053878.